The following is an entry in ClinVar:

NM_000018.4(ACADVL):c.1475dup (p.Asn493fs)

Gene: ACADVL (acyl-CoA dehydrogenase very long chain; plus strand). Cytogenetic location: 17p13.1.
Variant type: Duplication.
Coding change: c.1475dup on transcript NM_000018.4 (MANE Select); coding-DNA position 1475, one base duplicated (A; older notation c.1475dupA).
Protein change: p.Asn493fs; shifts the reading frame from asparagine 493.
Molecular consequence: frameshift variant.
Genome position (GRCh38, 1-based): chr17:7,224,186, A duplicated; the last of 3 consecutive A bases (chr17:7,224,184-7,224,186); duplicating any one gives the same sequence. VCF-style (leftmost placement, unchanged base first): chr17-7224183-T-TA. GRCh37 (hg19) VCF-style: chr17-7127502-T-TA.
Other names: c.1409dup, p.Asn471fs (NM_001033859.3); c.1544dup, p.Asn516fs (NM_001270447.2); c.1247dup, p.Asn417fs (NM_001270448.2); short protein forms N493fs, N516fs, N417fs, N471fs.
Identifiers: ClinVar variation 2767340 (VCV002767340.3), dbSNP rs2508353883, ClinGen allele CA2697559354.

ClinVar aggregate classification (germline): Pathogenic (1 of 4 stars; one submission).

Conditions:
Very long chain acyl-CoA dehydrogenase deficiency (ACADVLD). Also called: Very Long-Chain Acyl-Coenzyme A Dehydrogenase Deficiency; VLCAD Deficiency. Identifiers: Orphanet 26793, MedGen C3887523, MONDO:0008723, OMIM 201475.

Submission:

Labcorp Genetics (formerly Invitae), Labcorp
Classification: Pathogenic for Very long chain acyl-CoA dehydrogenase deficiency. Last evaluated: 2025-07-10. Review status: criteria provided, single submitter. Criteria: Invitae Variant Classification Sherloc (09022015). Collection method: clinical testing. Allele origin: germline.
Comment: This sequence change creates a premature translational stop signal (p.Asn493Glufs*69) in the ACADVL gene. It is expected to result in an absent or disrupted protein product. Loss-of-function variants in ACADVL are known to be pathogenic (PMID: 9973285, 11590124). This variant is not present in population databases (gnomAD no frequency). This variant has not been reported in the literature in individuals affected with ACADVL-related conditions. ClinVar contains an entry for this variant (Variation ID: 2767340). Algorithms developed to predict the effect of sequence changes on RNA splicing suggest that this variant may disrupt the consensus splice site. For these reasons, this variant has been classified as Pathogenic.

Literature cited by the submitters: PubMed 9973285; PubMed 11590124.